The following is an entry in ClinVar:

ClinVar aggregate classification (germline): Uncertain significance. Review status: criteria provided, multiple submitters, no conflicts (2 of 4 stars). 2 submissions from 2 submitters: Uncertain significance (2). Last evaluated 2024-11-14.

Conditions:
Inborn genetic diseases. Identifiers: MedGen C0950123, MeSH D030342.

Allele frequency attached by ClinVar (database versions not stated): ExAC 0.00001; gnomAD 0.00001 and 0.00002; gnomAD exomes 0.00002 and 0.00003; TOPMed 0.00003; ESP Exome Variant Server 0.00008.

Submissions (2):

Ambry Genetics
Classification: Uncertain significance for Inborn genetic diseases. Last evaluated: 2024-11-14. Review status: criteria provided, single submitter. Criteria: Ambry Variant Classification Scheme 2023. Collection method: clinical testing. Allele origin: germline.

GeneDx
Classification: Uncertain significance. Last evaluated: 2020-07-20. Review status: criteria provided, single submitter. Criteria: GeneDx Variant Classification Process June 2021. Collection method: clinical testing. Allele origin: germline. Affected: yes.
Comment: Not observed at a significant frequency in large population cohorts (Lek et al., 2016); In silico analysis supports that this missense variant does not alter protein structure/function; Has not been previously published as pathogenic or benign to our knowledge

NM_173630.4(RTTN):c.5000C>T (p.Ser1667Leu)

Gene: RTTN (rotatin; minus strand). Cytogenetic location: 18q22.2.
Variant type: single nucleotide variant.
Coding change: c.5000C>T on transcript NM_173630.4 (MANE Select); coding-DNA position 5000, C replaced by T.
Protein change: p.Ser1667Leu; replaces serine 1667 with leucine.
Molecular consequence: missense variant.
Genome position (GRCh38, 1-based): chr18:70,057,773, G>A on the plus strand (C>T on the coding strand, the complement: RTTN is on the minus strand). VCF-style: chr18-70057773-G-A. GRCh37 (hg19) VCF-style: chr18-67725009-G-A.
Other names: c.2264C>T, p.Ser755Leu (NM_001318520.2); short protein forms S1667L, S755L.
Identifiers: ClinVar variation 452891 (VCV000452891.4), dbSNP rs374879832, ClinGen allele CA8995077.